The following is an entry in ClinVar:

ClinVar aggregate classification (germline): Uncertain significance (1 of 4 stars; one submission).

Conditions:
Fanconi anemia (FA). Also called: Fanconi's anemia. Identifiers: Orphanet 84, MedGen C0015625, MeSH D005199, MONDO:0019391.

Submission:

Labcorp Genetics (formerly Invitae), Labcorp
Classification: Uncertain significance for Fanconi anemia. Last evaluated: 2022-05-14. Review status: criteria provided, single submitter. Criteria: Invitae Variant Classification Sherloc (09022015). Collection method: clinical testing. Allele origin: germline.
Comment: In summary, the available evidence is currently insufficient to determine the role of this variant in disease. Therefore, it has been classified as a Variant of Uncertain Significance. Algorithms developed to predict the effect of missense changes on protein structure and function (SIFT, PolyPhen-2, Align-GVGD) all suggest that this variant is likely to be tolerated. This variant has not been reported in the literature in individuals affected with FANCM-related conditions. This variant is not present in population databases (gnomAD no frequency). This sequence change replaces proline, which is neutral and non-polar, with threonine, which is neutral and polar, at codon 847 of the FANCM protein (p.Pro847Thr).

NM_020937.4(FANCM):c.2539C>A (p.Pro847Thr)

Gene: FANCM (FA complementation group M; plus strand). Cytogenetic location: 14q21.2.
Variant type: single nucleotide variant.
Coding change: c.2539C>A on transcript NM_020937.4 (MANE Select); coding-DNA position 2539, C replaced by A.
Protein change: p.Pro847Thr; replaces proline 847 with threonine.
Molecular consequence: missense variant.
Genome position (GRCh38, 1-based): chr14:45,175,293, C>A. VCF-style: chr14-45175293-C-A. GRCh37 (hg19) VCF-style: chr14-45644496-C-A.
Other names: c.2461C>A, p.Pro821Thr (NM_001308133.2); short protein forms P821T, P847T.
Identifiers: ClinVar variation 1994486 (VCV001994486.4), dbSNP rs1594797644, ClinGen allele CA389598068.